The following is an entry in ClinVar:

NC_000023.11:g.(?_32809483)_(32823850_?)del

Gene: DMD (dystrophin; minus strand). Cytogenetic location: Xp21.1.
Variant type: Deletion.
Identifiers: ClinVar variation 833308 (VCV000833308.1).

ClinVar aggregate classification (germline): Pathogenic (1 of 4 stars; one submission).

Conditions:
Duchenne muscular dystrophy (DMD). Also called: Duchenne Muscular Dystrophy (DMD); MUSCULAR DYSTROPHY, PSEUDOHYPERTROPHIC PROGRESSIVE, DUCHENNE TYPE. Identifiers: Orphanet 98896, MedGen C0013264, MONDO:0010679, OMIM 310200.

Submission:

Labcorp Genetics (formerly Invitae), Labcorp
Classification: Pathogenic for Duchenne muscular dystrophy. Last evaluated: 2019-02-22. Review status: criteria provided, single submitter. Criteria: Invitae Variant Classification Sherloc (09022015). Collection method: clinical testing. Allele origin: germline.
Comment: This variant is an out-of-frame deletion of the genomic region encompassing exons 5-7 of the DMD gene. This creates a premature translational stop signal and is expected to result in an absent or disrupted protein product. This deletion has been reported in several individuals affected with Duchenne or Becker muscular dystrophy (DMD/BMD) (PMID: 11409318, 25482253). Loss-of-function variants in DMD are known to be pathogenic (PMID: 16770791, 25007885). For these reasons, this variant has been classified as Pathogenic.

Literature cited by the submitters: PubMed 11409318; PubMed 25482253.